The following is an entry in ClinVar:

NM_207189.4(BRDT):c.821G>A (p.Arg274Lys)

Gene: BRDT (bromodomain testis associated; plus strand). Cytogenetic location: 1p22.1.
Variant type: single nucleotide variant.
Coding change: c.821G>A on transcript NM_207189.4 (MANE Select); coding-DNA position 821, G replaced by A.
Protein change: p.Arg274Lys; replaces arginine 274 with lysine.
Molecular consequence: missense variant.
Genome position (GRCh38, 1-based): chr1:91,977,245, G>A. VCF-style: chr1-91977245-G-A. GRCh37 (hg19) VCF-style: chr1-92442802-G-A.
Other names: c.833G>A (NM_001242806.1); c.821G>A, p.Arg274Lys (NM_001242805.2, NM_001726.4); c.833G>A, p.Arg278Lys (NM_001242806.2); c.683G>A, p.Arg228Lys (NM_001242807.2, NM_001242808.2); c.602G>A, p.Arg201Lys (NM_001242810.2); short protein forms R201K, R228K, R274K, R278K.
Identifiers: ClinVar variation 3050280 (VCV003050280.3), dbSNP rs112610764, ClinGen allele CA948494.

ClinVar aggregate classification (germline): Likely benign. Review status: criteria provided, single submitter (1 of 4 stars). 2 submissions from 2 submitters: Likely benign (1). 1 of the submissions does not count toward it. Last evaluated 2025-10-06.

Conditions:
BRDT-related disorder. Also called: BRDT-related condition.

Allele frequency attached by ClinVar (database versions not stated): gnomAD exomes 0.00015; ExAC 0.00049; 1000 Genomes Project 0.00100; gnomAD 0.00162; TOPMed 0.00180; ESP Exome Variant Server 0.00231; 1000 Genomes Project 30x 0.00094.
gnomAD v4.1: 461 of 1,614,042 alleles (0.029%); highest among the groups gnomAD compares: African/African-American, 0.58%; 4 homozygotes.

Submissions (2):

Ambry Genetics
Classification: Likely benign. Last evaluated: 2025-10-06. Review status: criteria provided, single submitter. Criteria: Ambry Variant Classification Scheme 2023. Collection method: clinical testing. Allele origin: germline.

PreventionGenetics, part of Exact Sciences
Classification: Likely benign for BRDT-related condition. Last evaluated: 2019-08-28. Review status: no assertion criteria provided. Collection method: clinical testing. Allele origin: germline. Not counted in ClinVar's aggregate classification.
Comment: This variant is classified as likely benign based on ACMG/AMP sequence variant interpretation guidelines (Richards et al. 2015 PMID: 25741868, with internal and published modifications).